The following is an entry in ClinVar:

ClinVar aggregate classification (germline): Uncertain significance (1 of 4 stars; one submission).

Conditions:
Charcot-Marie-Tooth disease type 4. Also called: Charcot-Marie-Tooth disease, type IV; Charcot-Marie-Tooth, Type 4. Identifiers: Orphanet 64749, MedGen C4082197, MONDO:0018995.

Allele frequency attached by ClinVar (database versions not stated): gnomAD exomes below 0.00001; ExAC 0.00001; gnomAD 0.00001; 1000 Genomes Project 0.00020; 1000 Genomes Project 30x 0.00031.
gnomAD v4.1: 1 of 1,614,046 alleles (0.000062%); highest among the groups gnomAD compares: African/African-American, 0.0013%; no homozygotes.

Submission:

Labcorp Genetics (formerly Invitae), Labcorp
Classification: Uncertain significance for Charcot-Marie-Tooth disease type 4. Last evaluated: 2022-02-24. Review status: criteria provided, single submitter. Criteria: Invitae Variant Classification Sherloc (09022015). Collection method: clinical testing. Allele origin: germline.
Comment: This variant is present in population databases (rs535680998, gnomAD 0.007%). This sequence change replaces proline, which is neutral and non-polar, with threonine, which is neutral and polar, at codon 1169 of the SBF2 protein (p.Pro1169Thr). In summary, the available evidence is currently insufficient to determine the role of this variant in disease. Therefore, it has been classified as a Variant of Uncertain Significance. Algorithms developed to predict the effect of missense changes on protein structure and function (SIFT, PolyPhen-2, Align-GVGD) all suggest that this variant is likely to be tolerated. This variant has not been reported in the literature in individuals affected with SBF2-related conditions.

NM_030962.4(SBF2):c.3505C>A (p.Pro1169Thr)

Gene: SBF2 (SET binding factor 2; minus strand). Cytogenetic location: 11p15.4.
Variant type: single nucleotide variant.
Coding change: c.3505C>A on transcript NM_030962.4 (MANE Select); coding-DNA position 3505, C replaced by A.
Protein change: p.Pro1169Thr; replaces proline 1169 with threonine.
Molecular consequence: missense variant.
Genome position (GRCh38, 1-based): chr11:9,832,371, G>T on the plus strand (C>A on the coding strand, the complement: SBF2 is on the minus strand). VCF-style: chr11-9832371-G-T. GRCh37 (hg19) VCF-style: chr11-9853918-G-T.
Other names: c.3505C>A, p.Pro1169Thr (NM_001386339.1); c.3376C>A, p.Pro1126Thr (NM_001386342.1); short protein forms P1126T, P1169T.
Identifiers: ClinVar variation 1424009 (VCV001424009.6), dbSNP rs535680998, ClinGen allele CA5881250.